The following is an entry in ClinVar:

NM_198721.4(COL25A1):c.672+1del

Gene: COL25A1 (collagen type XXV alpha 1 chain; minus strand). Cytogenetic location: 4q25.
Variant type: Deletion.
Coding change: c.672+1del on transcript NM_198721.4 (MANE Select); the canonical splice donor site of the intron after coding-DNA position 672, one base deleted (G; older notation c.672+1delG).
Molecular consequence: splice donor variant.
Genome position (GRCh38, 1-based): chr4:108,940,538, C deleted on the plus strand (G on the coding strand, the reverse complement: COL25A1 is on the minus strand). VCF-style (leftmost placement, unchanged base first): chr4-108940537-AC-A. GRCh37 (hg19) VCF-style: chr4-109861693-AC-A.
Other names: c.672+1del (NM_032518.4); c.660+1del (NM_001256074.3).
Identifiers: ClinVar variation 1699063 (VCV001699063.3), dbSNP rs2125927453, ClinGen allele CA2573131714.

ClinVar aggregate classification (germline): Likely pathogenic (1 of 4 stars; one submission).

Conditions:
Fibrosis of extraocular muscles, congenital, 5 (CFEOM5). Identifiers: Orphanet 233, Orphanet 91411, MedGen C4015552, MONDO:0014538, OMIM 616219.

Submission:

Victorian Clinical Genetics Services, Murdoch Childrens Research Institute
Classification: Likely pathogenic for Fibrosis of extraocular muscles, congenital, 5. Last evaluated: 2022-02-02. Review status: criteria provided, single submitter. Criteria: ACMG Guidelines, 2015. Collection method: clinical testing. Allele origin: germline. Inheritance: Autosomal recessive inheritance.
Comment: Based on the classification scheme VCGS_Germline_v1.3.4, this variant is classified as Likely pathogenic. Following criteria are met: 0102 - Loss of function is a known mechanism of disease in this gene and is associated with congenital fibrosis of extraocular muscles 5 (MIM#616219; PMID: 25500261, PMID: 31875546). (I) 0106 - This gene is associated with autosomal recessive disease. (I) 0211 - Canonical splice site variant without proven consequence on splicing (no functional evidence available). (SP) 0251 - This variant is heterozygous. (I) 0301 - Variant is absent from gnomAD (both v2 and v3). (SP) 0311 - An alternative nucleotide change at the same canonical splice site, is present in gnomAD (v2; 2 heterozygotes, 0 homozygotes). 0505 - Abnormal splicing is predicted by in silico tools and affected nucleotide is highly conserved. (SP) 0705 - No comparable canonical splice variants have previous evidence for pathogenicity. (I) 0807 - This variant has no previous evidence of pathogenicity. (I) 0905 - No published segregation evidence has been identified for this variant. (I) 1007 - No published functional evidence has been identified for this variant. (I) 1205 - This variant has been shown to be maternally inherited (by the Broad Institute). (I) Legend: (SP) - Supporting pathogenic, (I) - Information, (SB) - Supporting benign

Literature cited by the submitters: PubMed 25500261; PubMed 31875546.